The following is an entry in ClinVar:

ClinVar aggregate classification (germline): Likely pathogenic (1 of 4 stars; one submission).

Submission:

GeneDx
Classification: Likely pathogenic. Last evaluated: 2017-10-06. Review status: criteria provided, single submitter. Criteria: GeneDx Variant Classification (06012015). Collection method: clinical testing. Allele origin: germline. Affected: yes.
Comment: The G229V variant in the LDB3 gene has not been reported previously as a pathogenic variant, nor as a benign variant, to our knowledge. The G229V variant was not observed in approximately 6,500 individuals of European and African American ancestry in the NHLBI Exome Sequencing Project, indicating it is not a common benign variant in these populations. The G229V variant is a conservative amino acid substitution, which is not likely to impact secondary protein structure as these residues share similar properties. This substitution occurs at a position that is not conserved. In silico analysis is inconsistent in its predictions as to whether or not the variant is damaging to the protein structure/function. The G229V variant is a strong candidate for a pathogenic variant, however the possibility it may be a rare benign variant cannot be excluded.

NM_007078.3(LDB3):c.686G>T (p.Gly229Val)

Gene: LDB3 (LIM domain binding 3; plus strand). Cytogenetic location: 10q23.2.
Variant type: single nucleotide variant.
Coding change: c.686G>T on transcript NM_007078.3 (MANE Select); coding-DNA position 686, G replaced by T.
Protein change: p.Gly229Val; replaces glycine 229 with valine.
Molecular consequence: missense variant. On other transcripts: intron variant (5).
Genome position (GRCh38, 1-based): chr10:86,681,800, G>T. VCF-style: chr10-86681800-G-T. GRCh37 (hg19) VCF-style: chr10-88441557-G-T.
Other names: c.686G>T, p.Gly229Val (NM_001080115.2, NM_001171610.2, NM_001171611.2 and 3 more transcripts); c.321+1643G>T (NM_001368068.1, NM_001368066.1, NM_001080114.2 and 2 more transcripts); short protein forms G229V.
Identifiers: ClinVar variation 429910 (VCV000429910.2), dbSNP rs1131691665, ClinGen allele CA377455773.